The following is an entry in ClinVar:

NM_020529.3(NFKBIA):c.779G>A (p.Arg260His)

Gene: NFKBIA (NFKB inhibitor alpha; minus strand). Cytogenetic location: 14q13.2.
Variant type: single nucleotide variant.
Coding change: c.779G>A on transcript NM_020529.3 (MANE Select); coding-DNA position 779, G replaced by A.
Protein change: p.Arg260His; replaces arginine 260 with histidine.
Molecular consequence: missense variant.
Genome position (GRCh38, 1-based): chr14:35,402,521, C>T on the plus strand (G>A on the coding strand, the complement: NFKBIA is on the minus strand). VCF-style: chr14-35402521-C-T. GRCh37 (hg19) VCF-style: chr14-35871727-C-T.
Other names: short protein forms R260H.
Identifiers: ClinVar variation 2741101 (VCV002741101.3), dbSNP rs781464425, ClinGen allele CA389452115.

ClinVar aggregate classification (germline): Uncertain significance (1 of 4 stars; one submission).

Conditions:
Ectodermal dysplasia and immunodeficiency 2. Identifiers: Orphanet 238468, Orphanet 98813, MedGen C2677481, MONDO:0012806, OMIM 612132.

Allele frequency attached by ClinVar (database versions not stated): TOPMed below 0.00001; gnomAD 0.00001.

Submission:

Labcorp Genetics (formerly Invitae), Labcorp
Classification: Uncertain significance for Ectodermal dysplasia and immunodeficiency 2. Last evaluated: 2023-04-18. Review status: criteria provided, single submitter. Criteria: Invitae Variant Classification Sherloc (09022015). Collection method: clinical testing. Allele origin: germline.
Comment: In summary, the available evidence is currently insufficient to determine the role of this variant in disease. Therefore, it has been classified as a Variant of Uncertain Significance. This sequence change replaces arginine, which is basic and polar, with histidine, which is basic and polar, at codon 260 of the NFKBIA protein (p.Arg260His). This variant is not present in population databases (gnomAD no frequency). This variant has not been reported in the literature in individuals affected with NFKBIA-related conditions. An algorithm developed to predict the effect of missense changes on protein structure and function (PolyPhen-2) suggests that this variant is likely to be disruptive.